The following is an entry in ClinVar:

NM_000535.7(PMS2):c.1694T>A (p.Leu565Ter)

Gene: PMS2 (PMS1 homolog 2, mismatch repair system component; minus strand). Cytogenetic location: 7p22.1.
Variant type: single nucleotide variant.
Coding change: c.1694T>A on transcript NM_000535.7 (MANE Select); coding-DNA position 1694, T replaced by A.
Protein change: p.Leu565Ter; replaces leucine 565 with a stop codon.
Molecular consequence: nonsense. On other transcripts: non-coding transcript variant (1), intron variant (1).
Genome position (GRCh38, 1-based): chr7:5,987,071, A>T on the plus strand (T>A on the coding strand, the complement: PMS2 is on the minus strand). VCF-style: chr7-5987071-A-T. GRCh37 (hg19) VCF-style: chr7-6026702-A-T.
Other names: c.1880T>A, p.Leu627Ter (NM_001406866.1); c.1718T>A, p.Leu573Ter (NM_001406868.1); c.1586T>A, p.Leu529Ter (NM_001406869.1); c.1538T>A, p.Leu513Ter (NM_001406870.1, NM_001322006.2); c.1694T>A, p.Leu565Ter (NM_001406871.1, NM_001406872.1, NM_001322014.2); c.1496T>A, p.Leu499Ter (NM_001406873.1); c.1526T>A, p.Leu509Ter (NM_001406874.1); c.1385T>A, p.Leu462Ter (NM_001406875.1, NM_001406877.1, NM_001406878.1 and 5 more transcripts); and 13 more; short protein forms L254*, L308*, L374*, L378*, L394*, L407*, L410*, L430*.
Identifiers: ClinVar variation 2673890 (VCV002673890.1), dbSNP rs1783008091, ClinGen allele CA366741168.

ClinVar aggregate classification (germline): Pathogenic (1 of 4 stars; one submission).

Conditions:
Lynch syndrome 4 (LYNCH4). Also called: Hereditary non-polyposis colorectal cancer, type 4; Colorectal cancer, hereditary nonpolyposis, type 4. Identifiers: Orphanet 144, MedGen C1838333, MONDO:0013699, OMIM 614337. Disease mechanism: loss of function.

Submission:

Myriad Genetics, Inc.
Classification: Pathogenic for Lynch syndrome 4. Last evaluated: 2023-11-28. Review status: criteria provided, single submitter. Criteria: Myriad Autosomal Dominant, Autosomal Recessive and X-Linked Classification Criteria (2023). Collection method: clinical testing. Allele origin: unknown.
Comment: This variant is considered pathogenic. This variant creates a termination codon and is predicted to result in premature protein truncation.